The following is an entry in ClinVar:

NM_006017.3(PROM1):c.718G>A (p.Gly240Arg)

Gene: PROM1 (prominin 1; minus strand). Cytogenetic location: 4p15.32.
Variant type: single nucleotide variant.
Coding change: c.718G>A on transcript NM_006017.3 (MANE Select); coding-DNA position 718, G replaced by A.
Protein change: p.Gly240Arg; replaces glycine 240 with arginine.
Molecular consequence: missense variant.
Genome position (GRCh38, 1-based): chr4:16,023,392, C>T on the plus strand (G>A on the coding strand, the complement: PROM1 is on the minus strand). VCF-style: chr4-16023392-C-T. GRCh37 (hg19) VCF-style: chr4-16025015-C-T.
Other names: c.691G>A, p.Gly231Arg (NM_001145847.2, NM_001145848.2, NM_001145851.2 and 4 more transcripts); c.718G>A, p.Gly240Arg (NM_001145849.2, NM_001145850.2); short protein forms G240R, G231R.
Identifiers: ClinVar variation 348002 (VCV000348002.16), dbSNP rs752543587, ClinGen allele CA10620390.

ClinVar aggregate classification (germline): Uncertain significance. Review status: criteria provided, multiple submitters, no conflicts (2 of 4 stars). 7 submissions from 4 submitters: Uncertain significance (7). Last evaluated 2026-05-27.

Conditions:
Retinitis pigmentosa (RP). Identifiers: Orphanet 791, MedGen C0035334, MeSH D012174, MONDO:0019200, OMIM 268000. Inheritance: Autosomal dominant, autosomal recessive and X linked inheritance.
Stargardt disease 4 (STGD4). Identifiers: Orphanet 827, MedGen C1863534, MONDO:0011370, OMIM 603786.
Inborn genetic diseases. Identifiers: MedGen C0950123, MeSH D030342.
Cone-rod dystrophy 12 (CORD12). Identifiers: Orphanet 1872, MedGen C2675210, MONDO:0012983, OMIM 612657.
Retinal macular dystrophy type 2 (MCDR2). Also called: Bull's eye macular dystrophy. Identifiers: Orphanet 319640, MedGen C4749334, MONDO:0011957, OMIM 608051.

Allele frequency attached by ClinVar (database versions not stated): gnomAD exomes 0.00003 and 0.00006; gnomAD 0.00005; TOPMed 0.00008.
gnomAD v4.1: 97 of 1,603,860 alleles (0.006%); highest among the groups gnomAD compares: Admixed American, 0.0085%; no homozygotes.

Submissions (7):

Ambry Genetics
Classification: Uncertain significance for Inborn genetic diseases. Last evaluated: 2026-05-27. Review status: criteria provided, single submitter. Criteria: Ambry Variant Classification Scheme 2023. Collection method: clinical testing. Allele origin: germline.

Labcorp Genetics (formerly Invitae), Labcorp
Classification: Uncertain significance. Last evaluated: 2025-10-26. Review status: criteria provided, single submitter. Criteria: Invitae Variant Classification Sherloc (09022015). Collection method: clinical testing. Allele origin: germline.
Comment: This sequence change replaces glycine, which is neutral and non-polar, with arginine, which is basic and polar, at codon 240 of the PROM1 protein (p.Gly240Arg). The frequency data for this variant in the population databases is considered unreliable, as metrics indicate poor data quality at this position in the gnomAD database. This variant has not been reported in the literature in individuals affected with PROM1-related conditions. ClinVar contains an entry for this variant (Variation ID: 348002). Invitae Evidence Modeling of protein sequence and biophysical properties (such as structural, functional, and spatial information, amino acid conservation, physicochemical variation, residue mobility, and thermodynamic stability) indicates that this missense variant is not expected to disrupt PROM1 protein function with a negative predictive value of 80%. In summary, the available evidence is currently insufficient to determine the role of this variant in disease. Therefore, it has been classified as a Variant of Uncertain Significance.

Blueprint Genetics
Classification: Uncertain significance. Last evaluated: 2024-06-06. Review status: criteria provided, single submitter. Criteria: ACMG Guidelines, 2015. Collection method: clinical testing. Allele origin: germline.

Illumina Laboratory Services, Illumina
Classification: Uncertain significance for Retinitis pigmentosa. Last evaluated: 2018-01-13. Review status: criteria provided, single submitter. Criteria: ICSL Variant Classification Criteria 13 December 2019. Collection method: clinical testing. Allele origin: germline.

Illumina Laboratory Services, Illumina
Classification: Uncertain significance for Cone-rod dystrophy 12. Last evaluated: 2018-01-13. Review status: criteria provided, single submitter. Criteria: ICSL Variant Classification Criteria 13 December 2019. Collection method: clinical testing. Allele origin: germline.

Illumina Laboratory Services, Illumina
Classification: Uncertain significance for Stargardt disease 4. Last evaluated: 2018-01-13. Review status: criteria provided, single submitter. Criteria: ICSL Variant Classification Criteria 13 December 2019. Collection method: clinical testing. Allele origin: germline.

Illumina Laboratory Services, Illumina
Classification: Uncertain significance for Retinal macular dystrophy type 2. Last evaluated: 2018-01-13. Review status: criteria provided, single submitter. Criteria: ICSL Variant Classification Criteria 13 December 2019. Collection method: clinical testing. Allele origin: germline.